The following is an entry in ClinVar:

ClinVar aggregate classification (germline): Likely benign (1 of 4 stars; one submission).

gnomAD v4.1: 38 of 1,605,592 alleles (0.0024%); highest among the groups gnomAD compares: African/African-American, 0.004%; no homozygotes.

Submission:

CeGaT Center for Human Genetics Tuebingen
Classification: Likely benign. Last evaluated: 2026-01-01. Review status: criteria provided, single submitter. Criteria: CeGaT Center For Human Genetics Tuebingen Variant Classification Criteria Version 2. Collection method: clinical testing. Allele origin: germline. Affected: yes. Observed: 1 variant allele.
Comment: TNPO2: BP4, BP7

NM_001382241.1(TNPO2):c.1812C>T (p.Pro604=)

Gene: TNPO2 (transportin 2; minus strand). Cytogenetic location: 19p13.13.
Variant type: single nucleotide variant.
Coding change: c.1812C>T on transcript NM_001382241.1 (MANE Select); coding-DNA position 1812, C replaced by T.
Protein change: p.Pro604=; no amino-acid change (proline 604 retained).
Molecular consequence: synonymous variant. On other transcripts: non-coding transcript variant (6).
Genome position (GRCh38, 1-based): chr19:12,705,543, G>A on the plus strand (C>T on the coding strand, the complement: TNPO2 is on the minus strand). VCF-style: chr19-12705543-G-A. GRCh37 (hg19) VCF-style: chr19-12816357-G-A.
Other names: c.1812C>T, p.Pro604= (NM_001136195.2, NM_001136196.2, NM_001382236.1 and 7 more transcripts).
Identifiers: ClinVar variation 4822129 (VCV004822129.4).